The following is an entry in ClinVar:

NM_207361.6(FREM2):c.8159dup (p.Glu2721fs)

Gene: FREM2 (FRAS1 related extracellular matrix 2; plus strand). Cytogenetic location: 13q13.3.
Variant type: Duplication.
Coding change: c.8159dup on transcript NM_207361.6 (MANE Select); coding-DNA position 8159, one base duplicated (C; older notation c.8159dupC).
Protein change: p.Glu2721fs; shifts the reading frame from glutamic acid 2721.
Molecular consequence: frameshift variant.
Genome position (GRCh38, 1-based): chr13:38,872,917, C duplicated; the last of 6 consecutive C bases (chr13:38,872,912-38,872,917); duplicating any one gives the same sequence. VCF-style (leftmost placement, unchanged base first): chr13-38872911-G-GC. GRCh37 (hg19) VCF-style: chr13-39447048-G-GC.
Other names: short protein forms E2721fs.
Identifiers: ClinVar variation 2959969 (VCV002959969.3), dbSNP rs967339760, ClinGen allele CA248311529.

ClinVar aggregate classification (germline): Pathogenic (1 of 4 stars; one submission).

Submission:

Labcorp Genetics (formerly Invitae), Labcorp
Classification: Pathogenic. Last evaluated: 2023-07-10. Review status: criteria provided, single submitter. Criteria: Invitae Variant Classification Sherloc (09022015). Collection method: clinical testing. Allele origin: germline.
Comment: This sequence change creates a premature translational stop signal (p.Glu2721Argfs*3) in the FREM2 gene. It is expected to result in an absent or disrupted protein product. Loss-of-function variants in FREM2 are known to be pathogenic (PMID: 18203166, 26552811). This variant is present in population databases (no rsID available, gnomAD 0.01%). This variant has not been reported in the literature in individuals affected with FREM2-related conditions. For these reasons, this variant has been classified as Pathogenic.

Literature cited by the submitters: PubMed 18203166; PubMed 26552811.